The following is an entry in ClinVar:

ClinVar aggregate classification (germline): Uncertain significance (1 of 4 stars; one submission).

Submission:

Labcorp Genetics (formerly Invitae), Labcorp
Classification: Uncertain significance. Last evaluated: 2025-07-31. Review status: criteria provided, single submitter. Criteria: Invitae Variant Classification Sherloc (09022015). Collection method: clinical testing. Allele origin: germline.
Comment: This sequence change replaces valine, which is neutral and non-polar, with aspartic acid, which is acidic and polar, at codon 3542 of the HMCN1 protein (p.Val3542Asp). This variant is not present in population databases (gnomAD no frequency). This variant has not been reported in the literature in individuals affected with HMCN1-related conditions. An algorithm developed to predict the effect of missense changes on protein structure and function (PolyPhen-2) suggests that this variant is likely to be disruptive. In summary, the available evidence is currently insufficient to determine the role of this variant in disease. Therefore, it has been classified as a Variant of Uncertain Significance.

NM_031935.3(HMCN1):c.10625T>A (p.Val3542Asp)

Gene: HMCN1 (hemicentin 1; plus strand). Cytogenetic location: 1q31.1.
Variant type: single nucleotide variant.
Coding change: c.10625T>A on transcript NM_031935.3 (MANE Select); coding-DNA position 10625, T replaced by A.
Protein change: p.Val3542Asp; replaces valine 3542 with aspartic acid.
Molecular consequence: missense variant.
Genome position (GRCh38, 1-based): chr1:186,103,523, T>A. VCF-style: chr1-186103523-T-A. GRCh37 (hg19) VCF-style: chr1-186072655-T-A.
Other names: short protein forms V3542D.
Identifiers: ClinVar variation 4696968 (VCV004696968.1).